The following is an entry in ClinVar:

NM_007294.4(BRCA1):c.1854G>T (p.Arg618Ser)

Gene: BRCA1 (BRCA1 DNA repair associated; minus strand). Cytogenetic location: 17q21.31.
Variant type: single nucleotide variant.
Coding change: c.1854G>T on transcript NM_007294.4 (MANE Select); coding-DNA position 1854, G replaced by T.
Protein change: p.Arg618Ser; replaces arginine 618 with serine.
Molecular consequence: missense variant. On other transcripts: intron variant (137).
Genome position (GRCh38, 1-based): chr17:43,093,677, C>A on the plus strand (G>T on the coding strand, the complement: BRCA1 is on the minus strand). VCF-style: chr17-43093677-C-A. GRCh37 (hg19) VCF-style: chr17-41245694-C-A.
Other names: c.646+1067G>T (NM_001408469.1, NM_001408461.1, NM_001408453.1 and 11 more transcripts); c.1854G>T, p.Arg618Ser (NM_001407583.1, NM_001407593.1, NM_001407596.1 and 30 more transcripts); c.1851G>T, p.Arg617Ser (NM_001407587.1, NM_001407590.1, NM_001407591.1 and 22 more transcripts); c.784+1067G>T (NM_001408397.1, NM_001408401.1, NM_001408396.1 and 13 more transcripts); c.664+1067G>T (NM_001408436.1, NM_001408444.1, NM_001408438.1 and 12 more transcripts); c.787+1067G>T (NM_001407976.1, NM_001407980.1, NM_001407993.1 and 19 more transcripts); c.643+1067G>T (NM_001408464.1, NM_001408470.1, NM_001408468.1 and 3 more transcripts); c.523+1067G>T (NM_001408498.1, NM_001408501.1, NM_001408500.1 and 3 more transcripts); and 40 more; short protein forms R571S, R618S, R322S, R450S, R490S, R507S, R547S, R551S.
Identifiers: ClinVar variation 820162 (VCV000820162.20), dbSNP rs1060504585, ClinGen allele CA10598312.
Genomic context (GRCh38, chr17:43,093,677, plus strand): 5'-TTCAGTACAATTAGGTGGGCTTAGATTTCTACTGACTACTAGTTCAAGCGCATGAATATG[C>A]CTGGTAGAAGACTTCCTCCTCAGCCTATTCTTTTTAGGTGCTTTTGAATTGTGGATATTT-3'
Protein context (NP_009225.1, residues 608-628): KNRLRRKSST[Arg618Ser]HIHALELVVS

ClinVar aggregate classification (germline): Conflicting classifications of pathogenicity. Review status: criteria provided, conflicting classifications (1 of 4 stars). 5 submissions from 5 submitters: Uncertain significance (4); Likely benign (1). Last evaluated 2025-10-10.

Conditions:
Hereditary cancer-predisposing syndrome. Also called: Neoplastic Syndromes, Hereditary; Tumor predisposition; Hereditary Cancer Syndrome; Hereditary neoplastic syndrome. Identifiers: Orphanet 140162, MedGen C0027672, MeSH D009386, MONDO:0015356.
Hereditary breast ovarian cancer syndrome. Also called: Hereditary breast and/or ovarian cancer syndrome; BRCA1- and BRCA2-Associated Hereditary Breast and Ovarian Cancer; Hereditary breast and ovarian cancer syndrome; Hereditary breast and ovarian cancer; Hereditary breast and ovarian cancer syndrome (HBOC); Breast and ovarian cancer. Identifiers: Orphanet 145, MedGen C0677776, MeSH D061325, MONDO:0003582. Disease mechanism: loss of function.

Submissions (5):

Quest Diagnostics Nichols Institute San Juan Capistrano
Classification: Uncertain significance. Last evaluated: 2025-10-10. Review status: criteria provided, single submitter. Criteria: Quest Diagnostics criteria. Collection method: clinical testing. Allele origin: unknown.
Comment: The BRCA1 c.1854G>T (p.Arg618Ser) variant has been reported in the published literature to be located in a region of the BRCA1 gene that is tolerant to missense sequence changes (PMID: 31911673 (2020)). To the best of our knowledge, this variant has not been reported in individuals with BRCA1-related disorders. This variant has not been reported in large, multi-ethnic general populations (Genome Aggregation Database). Analysis of this variant using bioinformatics tools for the prediction of the effect of amino acid changes on protein structure and function yielded predictions that this variant is benign. Based on the available information, we are unable to determine the clinical significance of this variant.

Labcorp Genetics (formerly Invitae), Labcorp
Classification: Uncertain significance for Hereditary breast ovarian cancer syndrome. Last evaluated: 2025-10-02. Review status: criteria provided, single submitter. Criteria: Invitae Variant Classification Sherloc (09022015). Collection method: clinical testing. Allele origin: germline.
Comment: This sequence change replaces arginine, which is basic and polar, with serine, which is neutral and polar, at codon 618 of the BRCA1 protein (p.Arg618Ser). This variant is not present in population databases (gnomAD no frequency). This variant has not been reported in the literature in individuals affected with BRCA1-related conditions. ClinVar contains an entry for this variant (Variation ID: 820162). Invitae Evidence Modeling of protein sequence and biophysical properties (such as structural, functional, and spatial information, amino acid conservation, physicochemical variation, residue mobility, and thermodynamic stability) indicates that this missense variant is expected to disrupt BRCA1 protein function with a positive predictive value of 80%. In summary, the available evidence is currently insufficient to determine the role of this variant in disease. Therefore, it has been classified as a Variant of Uncertain Significance.

Ambry Genetics
Classification: Uncertain significance for Hereditary cancer-predisposing syndrome. Last evaluated: 2025-06-14. Review status: criteria provided, single submitter. Criteria: Ambry Variant Classification Scheme 2023. Collection method: clinical testing. Allele origin: germline.
Comment: The p.R618S variant (also known as c.1854G>T), located in coding exon 9 of the BRCA1 gene, results from a G to T substitution at nucleotide position 1854. The arginine at codon 618 is replaced by serine, an amino acid with dissimilar properties. This amino acid position is well conserved in available vertebrate species. In addition, the in silico prediction for this alteration is inconclusive. Since supporting evidence is limited at this time, the clinical significance of this alteration remains unclear.

GeneDx
Classification: Uncertain significance. Last evaluated: 2024-01-22. Review status: criteria provided, single submitter. Criteria: GeneDx Variant Classification Process June 2021. Collection method: clinical testing. Allele origin: germline. Affected: yes.
Comment: Not observed at significant frequency in large population cohorts (gnomAD); In silico analysis supports that this missense variant has a deleterious effect on protein structure/function; Has not been previously published as pathogenic or benign to our knowledge; Also known as 1973G>T; This variant is associated with the following publications: (PMID: 15343273, 31911673)

University of Washington Department of Laboratory Medicine, University of Washington
Classification: Likely benign for Hereditary cancer-predisposing syndrome. Last evaluated: 2023-03-23. Review status: criteria provided, single submitter. Criteria: Dines et al. (Genet Med. 2020). Collection method: curation. Allele origin: germline.
Comment: Missense variant in a coldspot region where missense variants are very unlikely to be pathogenic (PMID:31911673).

BRCA1 coldspot (exon 11 using historical exon numbering). Reclassification based on statistical prior probability

Literature cited by the submitters: PubMed 31911673 (cited by Quest Diagnostics Nichols Institute San Juan Capistrano).